The following is an entry in ClinVar:

ClinVar aggregate classification (germline): Uncertain significance. Review status: criteria provided, multiple submitters, no conflicts (2 of 4 stars). 2 submissions from 2 submitters: Uncertain significance (2). Last evaluated 2025-12-13.

Conditions:
Creatine transporter deficiency (CCDS1). Also called: Mental retardation , X-linked with seizures, short stature and midface hypoplasia; Mental retardation , X-linked, with creatine transport deficiency; X-linked creatine transporter deficiency; X-linked creatine deficiency syndrome; SLC6A8-Related Creatine Transporter Deficiency; CREATINE TRANSPORTER DEFECT. Identifiers: Orphanet 52503, MedGen C1845862, MONDO:0010305, OMIM 300352.

Submissions (2):

Labcorp Genetics (formerly Invitae), Labcorp
Classification: Uncertain significance for Creatine transporter deficiency. Last evaluated: 2025-12-13. Review status: criteria provided, single submitter. Criteria: Invitae Variant Classification Sherloc (09022015). Collection method: clinical testing. Allele origin: germline.
Comment: This sequence change replaces cysteine, which is neutral and slightly polar, with arginine, which is basic and polar, at codon 571 of the SLC6A8 protein (p.Cys571Arg). This variant is not present in population databases (gnomAD no frequency). This variant has not been reported in the literature in individuals affected with SLC6A8-related conditions. ClinVar contains an entry for this variant (Variation ID: 4076180). Invitae Evidence Modeling of protein sequence and biophysical properties (such as structural, functional, and spatial information, amino acid conservation, physicochemical variation, residue mobility, and thermodynamic stability) indicates that this missense variant is expected to disrupt SLC6A8 protein function with a positive predictive value of 95%. In summary, the available evidence is currently insufficient to determine the role of this variant in disease. Therefore, it has been classified as a Variant of Uncertain Significance.

Laboratorio de Genetica e Diagnostico Molecular, Hospital Israelita Albert Einstein
Classification: Uncertain significance for Creatine transporter deficiency. Last evaluated: 2024-05-27. Review status: criteria provided, single submitter. Criteria: ACMG Guidelines, 2015. Collection method: clinical testing. Allele origin: germline. Affected: yes.
Comment: ACMG classification criteria: PM2 supporting, PP3 supporting

NM_005629.4(SLC6A8):c.1711T>C (p.Cys571Arg)

Gene: SLC6A8 (solute carrier family 6 member 8; plus strand). Cytogenetic location: Xq28.
Variant type: single nucleotide variant.
Coding change: c.1711T>C on transcript NM_005629.4 (MANE Select); coding-DNA position 1711, T replaced by C.
Protein change: p.Cys571Arg; replaces cysteine 571 with arginine.
Molecular consequence: missense variant.
Genome position (GRCh38, 1-based): chrX:153,694,833, T>C. VCF-style: chrX-153694833-T-C. GRCh37 (hg19) VCF-style: chrX-152960288-T-C.
Other names: c.1681T>C, p.Cys561Arg (NM_001142805.2); c.1366T>C, p.Cys456Arg (NM_001142806.1); short protein forms C456R, C561R, C571R.
Identifiers: ClinVar variation 4076180 (VCV004076180.2).
Genomic context (GRCh38, chrX:153,694,833, plus strand): 5'-TACGTGTACCCGTGGTGGGGTGAGGCCATGGGCTGGGCCTTCGCCCTGTCCTCCATGCTG[T>C]GCGTGCCGCTGCACCTCCTGGGCTGCCTCCTCAGGGCCAAGGGCACCATGGCTGAGGTAA-3'
Protein context (NP_005620.1, residues 561-581): GWAFALSSML[Cys571Arg]VPLHLLGCLL